The following is an entry in ClinVar:

NM_000081.4(LYST):c.6455G>A (p.Ser2152Asn)

Gene: LYST (lysosomal trafficking regulator; minus strand). Cytogenetic location: 1q42.3.
Variant type: single nucleotide variant.
Coding change: c.6455G>A on transcript NM_000081.4 (MANE Select); coding-DNA position 6455, G replaced by A.
Protein change: p.Ser2152Asn; replaces serine 2152 with asparagine.
Molecular consequence: missense variant.
Genome position (GRCh38, 1-based): chr1:235,759,398, C>T on the plus strand (G>A on the coding strand, the complement: LYST is on the minus strand). VCF-style: chr1-235759398-C-T. GRCh37 (hg19) VCF-style: chr1-235922698-C-T.
Other names: c.6455G>A, p.Ser2152Asn (NM_001301365.1); c.6455G>A (NM_000081.2); short protein forms S2152N.
Identifiers: ClinVar variation 454487 (VCV000454487.13), dbSNP rs147761755, ClinGen allele CA1466372.

ClinVar aggregate classification (germline): Likely benign. Review status: criteria provided, multiple submitters, no conflicts (2 of 4 stars). 4 submissions from 4 submitters: Likely benign (3). 1 of the submissions does not count toward it. Last evaluated 2026-01-25.

Conditions:
LYST-related disorder. Also called: LYST-related condition.
Inborn genetic diseases. Identifiers: MedGen C0950123, MeSH D030342.
Chédiak-Higashi syndrome (CHS). Also called: Chediak-Higashi Syndrome. Identifiers: Orphanet 167, MedGen C0007965, MONDO:0008963, OMIM 214500.

Allele frequency attached by ClinVar (database versions not stated): gnomAD exomes 0.00007 and 0.00020; ExAC 0.00019; ESP Exome Variant Server 0.00046; gnomAD 0.00064 and 0.00070; 1000 Genomes Project 30x 0.00078; 1000 Genomes Project 0.00080; TOPMed 0.00080 and 0.00081.
gnomAD v4.1: 202 of 1,614,140 alleles (0.013%); highest among the groups gnomAD compares: African/African-American, 0.26%; 1 homozygote.

Submissions (4):

Labcorp Genetics (formerly Invitae), Labcorp
Classification: Likely benign for Chédiak-Higashi syndrome. Last evaluated: 2026-01-25. Review status: criteria provided, single submitter. Criteria: Invitae Variant Classification Sherloc (09022015). Collection method: clinical testing. Allele origin: germline.

Ambry Genetics
Classification: Likely benign for Inborn genetic diseases. Last evaluated: 2024-05-24. Review status: criteria provided, single submitter. Criteria: Ambry Variant Classification Scheme 2023. Collection method: clinical testing. Allele origin: germline.

Blueprint Genetics
Classification: Likely benign. Last evaluated: 2022-07-11. Review status: criteria provided, single submitter. Criteria: ACMG Guidelines, 2015. Collection method: clinical testing. Allele origin: germline.

PreventionGenetics, part of Exact Sciences
Classification: Likely benign for LYST-related condition. Last evaluated: 2024-06-10. Review status: no assertion criteria provided. Collection method: clinical testing. Allele origin: germline. Not counted in ClinVar's aggregate classification.
Comment: This variant is classified as likely benign based on ACMG/AMP sequence variant interpretation guidelines (Richards et al. 2015 PMID: 25741868, with internal and published modifications).